The following is an entry in ClinVar:

ClinVar aggregate classification (germline): Pathogenic (1 of 4 stars; one submission).

Conditions:
Hypertrophic cardiomyopathy. Also called: HYPERTROPHIC MYOCARDIOPATHY. Identifiers: Orphanet 217569, MedGen C0007194, MeSH D002312, MONDO:0005045, HP:0001639.

Submission:

Labcorp Genetics (formerly Invitae), Labcorp
Classification: Pathogenic for Hypertrophic cardiomyopathy. Last evaluated: 2020-09-29. Review status: criteria provided, single submitter. Criteria: Invitae Variant Classification Sherloc (09022015). Collection method: clinical testing. Allele origin: germline.
Comment: This variant results in the deletion of exon(s) 29-32 and part of exon 28 (c.2962_3628-150del) of the MYBPC3 gene. It is expected to disrupt RNA splicing and likely results in an absent or disrupted protein product. For these reasons, this variant has been classified as Pathogenic. Loss-of-function variants in MYBPC3 are known to be pathogenic (PMID: 19574547). This variant disrupts the p.Arg1022 amino acid residue in MYBPC3. Other variant(s) that disrupt this residue have been determined to be pathogenic (PMID: 16335287, 23396983, 28771489, 20433692). This suggests that this residue is clinically significant, and that variants that disrupt this residue are likely to be disease-causing. This variant has not been reported in the literature in individuals with MYBPC3-related conditions.

Literature cited by the submitters: PubMed 19574547; PubMed 16335287; PubMed 23396983; PubMed 28771489; PubMed 20433692.

NC_000011.10:g.(?_47332546)_(47334030_?)del

Gene: MYBPC3 (myosin binding protein C3; minus strand). Cytogenetic location: 11p11.2.
Variant type: Deletion.
Identifiers: ClinVar variation 525139 (VCV000525139.5).